The following is an entry in ClinVar:

ClinVar aggregate classification (germline): Benign. Review status: criteria provided, multiple submitters, no conflicts (2 of 4 stars). 2 submissions from 2 submitters: Benign (2). Last evaluated 2021-02-26.

Allele frequency attached by ClinVar (database versions not stated): ESP Exome Variant Server 0.40043; gnomAD 0.42407 and 0.43294; TOPMed 0.43589; 1000 Genomes Project 30x 0.48329; 1000 Genomes Project 0.49681.
gnomAD v4.1: 776,423 of 1,611,808 alleles (48%); highest among the groups gnomAD compares: East Asian, 83%; 194,617 homozygotes.

Submissions (2):

GeneDx
Classification: Benign. Last evaluated: 2021-02-26. Review status: criteria provided, single submitter. Criteria: GeneDx Variant Classification Process June 2021. Collection method: clinical testing. Allele origin: germline. Affected: yes.
Comment: This variant is associated with the following publications: (PMID: 28233271)

Breakthrough Genomics
Classification: Benign. Review status: criteria provided, single submitter. Criteria: ACMG Guidelines, 2015. Collection method: not provided. Allele origin: germline. Inheritance: Unknown mechanism. Affected: yes.

NM_006827.6(TMED10):c.539-28T>C

Gene: TMED10 (transmembrane p24 trafficking protein 10; minus strand). Cytogenetic location: 14q24.3.
Variant type: single nucleotide variant.
Coding change: c.539-28T>C on transcript NM_006827.6 (MANE Select); 28 bases into the intron before coding-DNA position 539, T replaced by C.
Molecular consequence: intron variant.
Genome position (GRCh38, 1-based): chr14:75,135,034, A>G on the plus strand (T>C on the coding strand, the complement: TMED10 is on the minus strand). VCF-style: chr14-75135034-A-G. GRCh37 (hg19) VCF-style: chr14-75601737-A-G.
Identifiers: ClinVar variation 1253710 (VCV001253710.3), dbSNP rs12435391, ClinGen allele CA7277368.